The following is an entry in ClinVar:

NM_000137.4(FAH):c.291A>C (p.Arg97Ser)

Gene: FAH (fumarylacetoacetate hydrolase; plus strand). Cytogenetic location: 15q25.1.
Variant type: single nucleotide variant.
Coding change: c.291A>C on transcript NM_000137.4 (MANE Select); coding-DNA position 291, A replaced by C.
Protein change: p.Arg97Ser; replaces arginine 97 with serine.
Molecular consequence: missense variant.
Genome position (GRCh38, 1-based): chr15:80,159,854, A>C. VCF-style: chr15-80159854-A-C. GRCh37 (hg19) VCF-style: chr15-80452196-A-C.
Other names: p.Arg97Ser; c.291A>C, p.Arg97Ser (NM_001374377.1, NM_001374380.1); c.291A>C (NM_000137.3); short protein forms R97S.
Identifiers: ClinVar variation 317210 (VCV000317210.9), dbSNP rs754226189, ClinGen allele CA7691073.
Genomic context (GRCh38, chr15:80,159,854, plus strand): 5'-CTGGAAGGAGGCGAGAGTGTTCTTGCAGAACTTGCTGTCTGTGAGCCAAGCCAGGCTCAG[A>C]GATGACACCGAACTTCGGAAGTGGTGAGAAGCACGTGGTCATAGGGGGGATGAGGGGATG-3'
Protein context (NP_000128.1, residues 87-107): NLLSVSQARL[Arg97Ser]DDTELRKCAF

ClinVar aggregate classification (germline): Uncertain significance. Review status: criteria provided, multiple submitters, no conflicts (2 of 4 stars). 4 submissions from 4 submitters: Uncertain significance (3). 1 of the submissions does not count toward it. Last evaluated 2023-09-27.

Conditions:
Inborn genetic diseases. Identifiers: MedGen C0950123, MeSH D030342.
FAH-related disorder. Also called: FAH-related condition.
Tyrosinemia type I (TYRSN1). Also called: Tyrosinemia type 1; Fumarylacetoacetase deficiency; Deficiency of fumarylacetoacetase; FAH DEFICIENCY; HEPATORENAL TYROSINEMIA. Identifiers: Orphanet 882, MedGen C0268490, MONDO:0010161, OMIM 276700. Disease mechanism: loss of function.

Allele frequency attached by ClinVar (database versions not stated): gnomAD 0.00001; TOPMed 0.00001; ExAC 0.00002; gnomAD exomes 0.00002.
gnomAD v4.1: 13 of 1,614,132 alleles (0.00081%); highest among the groups gnomAD compares: Non-Finnish European, 0.0011%; no homozygotes.

Submissions (4):

Mayo Clinic Laboratories, Mayo Clinic
Classification: Uncertain significance. Last evaluated: 2023-09-27. Review status: criteria provided, single submitter. Criteria: ACMG Guidelines, 2015. Collection method: clinical testing. Allele origin: germline. Observed: 1 variant allele.

Ambry Genetics
Classification: Uncertain significance for Inborn genetic diseases. Last evaluated: 2023-02-01. Review status: criteria provided, single submitter. Criteria: Ambry Variant Classification Scheme 2023. Collection method: clinical testing. Allele origin: germline.

Illumina Laboratory Services, Illumina
Classification: Uncertain significance for Tyrosinemia type I. Last evaluated: 2018-01-12. Review status: criteria provided, single submitter. Criteria: ICSL Variant Classification Criteria 13 December 2019. Collection method: clinical testing. Allele origin: germline.

PreventionGenetics, part of Exact Sciences
Classification: Uncertain significance for FAH-related condition. Last evaluated: 2024-05-30. Review status: no assertion criteria provided. Collection method: clinical testing. Allele origin: germline. Not counted in ClinVar's aggregate classification.
Comment: The FAH c.291A>C variant is predicted to result in the amino acid substitution p.Arg97Ser. To our knowledge, this variant has not been reported in the literature. This variant is reported in 0.0035% of alleles in individuals of European (Non-Finnish) descent in gnomAD. At this time, the clinical significance of this variant is uncertain due to the absence of conclusive functional and genetic evidence.